The following is an entry in ClinVar:

ClinVar aggregate classification (germline): Uncertain significance (1 of 4 stars; one submission).

Conditions:
Macrothrombocytopenia and granulocyte inclusions with or without nephritis or sensorineural hearing loss (MATINS). Also called: MAY-HEGGLIN ANOMALY; BLEEDING DISORDER, PLATELET-TYPE, 6; SEBASTIAN PLATELET SYNDROME; MACROTHROMBOCYTOPENIA WITH DISPERSED LEUKOCYTIC INCLUSIONS; MACROTHROMBOCYTOPENIA, NEPHRITIS, AND DEAFNESS; MACROTHROMBOCYTOPENIA, NEPHRITIS, DEAFNESS, AND LEUKOCYTE INCLUSIONS. Identifiers: Orphanet 182050, MedGen C5200934, MONDO:0015912, OMIM 155100.

Submission:

Neuberg Centre For Genomic Medicine, NCGM
Classification: Uncertain significance for Macrothrombocytopenia and granulocyte inclusions with or without nephritis or sensorineural hearing loss. Last evaluated: 2023-02-14. Review status: criteria provided, single submitter. Criteria: ACMG Guidelines, 2015. Collection method: clinical testing. Allele origin: germline. Inheritance: Autosomal dominant inheritance. Affected: yes.
Comment: The missense variant c.5745C>G(p.Ser1915Arg) in MYH9 gene has not been reported previously as a pathogenic variant nor as abenign variant, to our knowledge. The variant is novel (not in any individuals) in gnomAD Exomes and 1000 Genomes. The aminoacid Serine at position 1915 is changed to a Arginine changing protein sequence and it might alter its composition and physico-chemical properties. The variant is predicted to be damaging by SIFT. The amino acid change p.Ser1915Arg in MYH9 is predicted asconserved by GERP++ and PhyloP across 100 vertebrates. For these reasons, this variant has been classified as UncertainSignificance.

NM_002473.6(MYH9):c.5745C>G (p.Ser1915Arg)

Gene: MYH9 (myosin heavy chain 9; minus strand). Cytogenetic location: 22q12.3.
Variant type: single nucleotide variant.
Coding change: c.5745C>G on transcript NM_002473.6 (MANE Select); coding-DNA position 5745, C replaced by G.
Protein change: p.Ser1915Arg; replaces serine 1915 with arginine.
Molecular consequence: missense variant.
Genome position (GRCh38, 1-based): chr22:36,284,113, G>C on the plus strand (C>G on the coding strand, the complement: MYH9 is on the minus strand). VCF-style: chr22-36284113-G-C. GRCh37 (hg19) VCF-style: chr22-36680159-G-C.
Other names: short protein forms S1915R.
Identifiers: ClinVar variation 2664919 (VCV002664919.1), dbSNP rs1343867602, ClinGen allele CA411372399.
Genomic context (GRCh38, chr22:36,284,113, plus strand): 5'-AAGTGCCGAGGCAAAGGGGCGGGTGGGCAGGGCGGCTCACCTGAGCTTGTTCTTTAGGGA[G>C]CTGACTTCGCGGTTCATGGCATCGGCCGTCTCAGTGGCGTCCTCCAGCTCGCGCTGCAGT-3'
Protein context (NP_002464.1, residues 1905-1925): ETADAMNREV[Ser1915Arg]SLKNKLRRGD